The following is an entry in ClinVar:

NM_005506.4(SCARB2):c.276-169C>T

Gene: SCARB2 (scavenger receptor class B member 2; minus strand). Cytogenetic location: 4q21.1.
Variant type: single nucleotide variant.
Coding change: c.276-169C>T on transcript NM_005506.4 (MANE Select); 169 bases into the intron before coding-DNA position 276, C replaced by T.
Molecular consequence: intron variant.
Genome position (GRCh38, 1-based): chr4:76,181,270, G>A on the plus strand (C>T on the coding strand, the complement: SCARB2 is on the minus strand). VCF-style: chr4-76181270-G-A. GRCh37 (hg19) VCF-style: chr4-77102423-G-A.
Other names: NC_000004.11:g.77102423G>A; c.276-5360C>T (NM_001204255.2).
Identifiers: ClinVar variation 673154 (VCV000673154.2), dbSNP rs75285019, ClinGen allele CA99840008.
Genomic context (GRCh38, chr4:76,181,270, plus strand): 5'-TAACATTATATAGAGACTGCAGCTACTAAGCCTTAAAAAGCTGGAGATCGAAGCTATAAT[G>A]TGGGAAGGAAACGAGGCCTAGGATAGAGTCTTCTCAAAAACTTTGTTTTCCTTCTTTTCT-3'

ClinVar aggregate classification (germline): Benign (1 of 4 stars; one submission).

Allele frequency attached by ClinVar (database versions not stated): gnomAD 0.02343 and 0.02431; TOPMed 0.02652; 1000 Genomes Project 30x 0.03451; 1000 Genomes Project 0.03454.
gnomAD v4.1: 3,538 of 152,260 alleles (2.3%); highest among the groups gnomAD compares: African/African-American, 7.1%; 105 homozygotes.

Submissions (6):

GeneDx
Classification: Benign. Last evaluated: 2018-06-14. Review status: criteria provided, single submitter. Criteria: GeneDx Variant Classification (06012015). Collection method: clinical testing. Allele origin: germline. Affected: yes.
Comment: This variant is considered likely benign or benign based on one or more of the following criteria: it is a conservative change, it occurs at a poorly conserved position in the protein, it is predicted to be benign by multiple in silico algorithms, and/or has population frequency not consistent with disease.

Dr. Peter K. Rogan Lab, Western University
No classification provided (evidence only). Condition: Uterine corpus endometrial carcinoma. Review status: no classification provided. Collection method: in vitro. Allele origin: not applicable. Functional consequence: retained intron. Not counted in ClinVar's aggregate classification.

Dr. Peter K. Rogan Lab, Western University
No classification provided (evidence only). Condition: Uterine corpus endometrial carcinoma. Review status: no classification provided. Collection method: in vitro. Allele origin: not applicable. Functional consequence: retained intron. Not counted in ClinVar's aggregate classification.

Dr. Peter K. Rogan Lab, Western University
No classification provided (evidence only). Condition: Sarcoma. Review status: no classification provided. Collection method: in vitro. Allele origin: not applicable. Functional consequence: retained intron. Not counted in ClinVar's aggregate classification.

Dr. Peter K. Rogan Lab, Western University
No classification provided (evidence only). Condition: Cholangiocarcinoma. Review status: no classification provided. Collection method: in vitro. Allele origin: not applicable. Functional consequence: retained intron. Not counted in ClinVar's aggregate classification.

Dr. Peter K. Rogan Lab, Western University
No classification provided (evidence only). Condition: Gastric cancer. Review status: no classification provided. Collection method: in vitro. Allele origin: not applicable. Functional consequence: retained intron. Not counted in ClinVar's aggregate classification.